The following is an entry in ClinVar:

ClinVar aggregate classification (germline): Uncertain significance (1 of 4 stars; one submission).

Conditions:
Catecholaminergic polymorphic ventricular tachycardia (CVPT). Also called: Catecholamine-induced polymorphic ventricular tachycardia. Identifiers: Orphanet 3286, MedGen C5574922, MONDO:0017990.

Submission:

Labcorp Genetics (formerly Invitae), Labcorp
Classification: Uncertain significance for Catecholaminergic polymorphic ventricular tachycardia. Last evaluated: 2019-06-14. Review status: criteria provided, single submitter. Criteria: Invitae Variant Classification Sherloc (09022015). Collection method: clinical testing. Allele origin: germline.
Comment: This variant is a gross duplication of the genomic region encompassing exons 1-4 of the RYR2 gene. The 5' end of this event is unknown as it extends beyond the assayed region for this gene and therefore may encompass additional genes. The 3' boundary is likely confined to intron 4 of the RYR2 gene. The exact location of this variant in the genome is unknown. This variant has not been reported in the literature in individuals with RYR2-related disease. Experimental studies and prediction algorithms are not available for this variant, and the functional significance of the duplicated amino acids is currently unknown. In summary, the available evidence is currently insufficient to determine the role of this variant in disease. Therefore, it has been classified as a Variant of Uncertain Significance.

NC_000001.11:g.(?_237042512)_(237355995_?)dup

Gene: RYR2 (ryanodine receptor 2; plus strand). Cytogenetic location: 1q43.
Variant type: Duplication.
Identifiers: ClinVar variation 831820 (VCV000831820.2).